The following is an entry in ClinVar:

NM_138295.5(PKD1L1):c.264C>A (p.Ser88=)

Gene: PKD1L1 (polycystin 1 like 1, transient receptor potential channel interacting; minus strand). Cytogenetic location: 7p12.3.
Variant type: single nucleotide variant.
Coding change: c.264C>A on transcript NM_138295.5 (MANE Select); coding-DNA position 264, C replaced by A.
Protein change: p.Ser88=; no amino-acid change (serine 88 retained).
Molecular consequence: synonymous variant.
Genome position (GRCh38, 1-based): chr7:47,940,214, G>T on the plus strand (C>A on the coding strand, the complement: PKD1L1 is on the minus strand). VCF-style: chr7-47940214-G-T. GRCh37 (hg19) VCF-style: chr7-47979811-G-T.
Other names: c.264C>A (NM_138295.3).
Identifiers: ClinVar variation 2724543 (VCV002724543.4), dbSNP rs151099037, ClinGen allele CA4254425.
Genomic context (GRCh38, chr7:47,940,214, plus strand): 5'-TCAGGAAGAAAAGCCTAATTTCCCCAGATCCAGGAATACCTTCTGCCTGGAAGCTGATGA[G>T]GATGGGCTCTGTGATTCCCGGTCTTCTGCCTTTCCATTCAGAGCACACCAAGGACAGCCA-3'
Protein context (NP_612152.1, residues 78-98): KAEDRESQSP[Ser88=]SSASRQKNIW

ClinVar aggregate classification (germline): Likely benign. Review status: criteria provided, multiple submitters, no conflicts (2 of 4 stars). 2 submissions from 2 submitters: Likely benign (2). Last evaluated 2025-09-10.

Conditions:
PKD1L1-related disorder. Also called: PKD1L1-related condition.

Allele frequency attached by ClinVar (database versions not stated): gnomAD exomes 0.00003; ExAC 0.00011; gnomAD 0.00023; TOPMed 0.00029; ESP Exome Variant Server 0.00038; 1000 Genomes Project 30x 0.00047; 1000 Genomes Project 0.00060.
gnomAD v4.1: 74 of 1,614,210 alleles (0.0046%); highest among the groups gnomAD compares: African/African-American, 0.092%; no homozygotes.

Submissions (2):

Labcorp Genetics (formerly Invitae), Labcorp
Classification: Likely benign. Last evaluated: 2025-09-10. Review status: criteria provided, single submitter. Criteria: Invitae Variant Classification Sherloc (09022015). Collection method: clinical testing. Allele origin: germline.

PreventionGenetics, part of Exact Sciences
Classification: Likely benign for PKD1L1-related condition. Last evaluated: 2025-05-20. Review status: criteria provided, single submitter. Criteria: ACMG Guidelines, 2015. Collection method: clinical testing. Allele origin: germline.
Comment: This variant is classified as likely benign based on ACMG/AMP sequence variant interpretation guidelines (Richards et al. 2015 PMID: 25741868, with internal and published modifications).